The following is an entry in ClinVar:

ClinVar aggregate classification (germline): Likely benign (1 of 4 stars; one submission).

Allele frequency attached by ClinVar (database versions not stated): gnomAD exomes below 0.00001.
gnomAD v4.1: 4 of 1,613,946 alleles (0.00025%); highest among the groups gnomAD compares: Non-Finnish European, 0.00034%; no homozygotes.

Submission:

CeGaT Center for Human Genetics Tuebingen
Classification: Likely benign. Last evaluated: 2022-06-01. Review status: criteria provided, single submitter. Criteria: CeGaT Center For Human Genetics Tuebingen Variant Classification Criteria Version 2. Collection method: clinical testing. Allele origin: germline. Affected: yes. Observed: 1 variant allele.
Comment: ACACA: PM2:Supporting, BP4, BP7

NM_198834.3(ACACA):c.3183A>G (p.Val1061=)

Gene: ACACA (acetyl-CoA carboxylase alpha; minus strand). Cytogenetic location: 17q12.
Variant type: single nucleotide variant.
Coding change: c.3183A>G on transcript NM_198834.3 (MANE Select); coding-DNA position 3183, A replaced by G.
Protein change: p.Val1061=; no amino-acid change (valine 1061 retained).
Molecular consequence: synonymous variant.
Genome position (GRCh38, 1-based): chr17:37,235,038, T>C on the plus strand (A>G on the coding strand, the complement: ACACA is on the minus strand). VCF-style: chr17-37235038-T-C. GRCh37 (hg19) VCF-style: chr17-35591953-T-C.
Other names: c.3072A>G, p.Val1024= (NM_198836.3, NM_198839.3); c.2898A>G, p.Val966= (NM_198837.2); c.2838A>G, p.Val946= (NM_198838.2).
Identifiers: ClinVar variation 2647693 (VCV002647693.24), dbSNP rs2080043419, ClinGen allele CA499860973.
Genomic context (GRCh38, chr17:37,235,038, plus strand): 5'-AAGCATTGTGACCAGAAGATTCTTCTTGGTGACTTGAGCGTGAGAGAAGATGTAGTTCAG[T>C]ACAGTGTTCATGTCACTTTTATTCTCTTCTCGGAGGGCGAATACACATTTGTCATAGTGA-3'
Protein context (NP_942131.1, residues 1051-1071): REENKSDMNT[Val1061=]LNYIFSHAQV